The following is an entry in ClinVar:

ClinVar aggregate classification (germline): Conflicting classifications of pathogenicity. Review status: criteria provided, conflicting classifications (1 of 4 stars). 11 submissions from 9 submitters: Uncertain significance (9); Likely benign (1). 1 of the submissions does not count toward it. Last evaluated 2026-04-13.

Conditions:
Meckel syndrome, type 5 (MKS5). Identifiers: Orphanet 564, MedGen C1969052, MONDO:0012695, OMIM 611561.
COACH syndrome 3. Identifiers: MedGen C5436841, MONDO:0030862, OMIM 619113.
Joubert syndrome 7 (JBTS7). Identifiers: Orphanet 220497, MedGen C1969053, MONDO:0012694, OMIM 611560.
Inborn genetic diseases. Identifiers: MedGen C0950123, MeSH D030342.
Meckel-Gruber syndrome. Also called: DYSENCEPHALIA SPLANCHNOCYSTICA; GRUBER SYNDROME; Dysencephalia splachnocystica. Identifiers: Orphanet 564, MedGen C0265215, MONDO:0018921.
Joubert syndrome. Also called: Familial aplasia of the vermis; JOUBERT-BOLTSHAUSER SYNDROME. Identifiers: Orphanet 475, MedGen C5979921, MONDO:0018772.
RPGRIP1L-related disorder. Also called: RPGRIP1L-related disorders; RPGRIP1L-related condition. Identifiers: MedGen CN239416.
Nephronophthisis 8. Identifiers: MedGen CN119610.

Allele frequency attached by ClinVar (database versions not stated): gnomAD exomes 0.00003 and 0.00010; ExAC 0.00012; 1000 Genomes Project 30x 0.00016; 1000 Genomes Project 0.00020; gnomAD 0.00021; TOPMed 0.00028; ESP Exome Variant Server 0.00054.
gnomAD v4.1: 75 of 1,613,860 alleles (0.0046%); highest among the groups gnomAD compares: African/African-American, 0.065%; no homozygotes.

Submissions (11):

PreventionGenetics, part of Exact Sciences
Classification: Uncertain significance for RPGRIP1L-related condition. Last evaluated: 2026-04-13. Review status: criteria provided, single submitter. Criteria: ACMG Guidelines, 2015. Collection method: clinical testing. Allele origin: germline.
Comment: The RPGRIP1L c.1736A>G variant is predicted to result in the amino acid substitution p.Tyr579Cys. To our knowledge, this variant has not been reported in the literature. This variant is reported in 0.076% of alleles in individuals of African descent in gnomAD, which may be too common to be an undocumented primary cause of disease. Although we suspect that this variant may be benign, at this time, the clinical significance of this variant is uncertain due to the absence of conclusive functional and genetic evidence.

GeneDx
Classification: Uncertain significance. Last evaluated: 2025-09-30. Review status: criteria provided, single submitter. Criteria: GeneDx Variant Classification Process June 2021. Collection method: clinical testing. Allele origin: germline. Affected: yes.
Comment: In silico analysis supports that this missense variant has a deleterious effect on protein structure/function; Has not been previously published as pathogenic or benign to our knowledge

Labcorp Genetics (formerly Invitae), Labcorp
Classification: Uncertain significance for Joubert syndrome; Meckel-Gruber syndrome. Last evaluated: 2025-01-06. Review status: criteria provided, single submitter. Criteria: Invitae Variant Classification Sherloc (09022015). Collection method: clinical testing. Allele origin: germline.
Comment: This sequence change replaces tyrosine, which is neutral and polar, with cysteine, which is neutral and slightly polar, at codon 579 of the RPGRIP1L protein (p.Tyr579Cys). This variant is present in population databases (rs148230131, gnomAD 0.07%). This variant has not been reported in the literature in individuals affected with RPGRIP1L-related conditions. ClinVar contains an entry for this variant (Variation ID: 235333). Invitae Evidence Modeling of protein sequence and biophysical properties (such as structural, functional, and spatial information, amino acid conservation, physicochemical variation, residue mobility, and thermodynamic stability) indicates that this missense variant is not expected to disrupt RPGRIP1L protein function with a negative predictive value of 80%. In summary, the available evidence is currently insufficient to determine the role of this variant in disease. Therefore, it has been classified as a Variant of Uncertain Significance.

Blueprint Genetics
Classification: Uncertain significance. Last evaluated: 2024-11-06. Review status: criteria provided, single submitter. Criteria: ACMG Guidelines, 2015. Collection method: clinical testing. Allele origin: germline.

Fulgent Genetics
Classification: Uncertain significance for Joubert syndrome 7; Meckel syndrome, type 5; COACH syndrome 3. Last evaluated: 2023-12-27. Review status: criteria provided, single submitter. Criteria: ACMG Guidelines, 2015. Collection method: clinical testing. Allele origin: germline.

Ambry Genetics
Classification: Likely benign for Inborn genetic diseases. Last evaluated: 2023-08-21. Review status: criteria provided, single submitter. Criteria: Ambry Variant Classification Scheme 2023. Collection method: clinical testing. Allele origin: germline.

Illumina Laboratory Services, Illumina
Classification: Uncertain significance for Joubert syndrome 7. Last evaluated: 2018-01-13. Review status: criteria provided, single submitter. Criteria: ICSL Variant Classification Criteria 13 December 2019. Collection method: clinical testing. Allele origin: germline.

Illumina Laboratory Services, Illumina
Classification: Uncertain significance for Meckel syndrome, type 5. Last evaluated: 2018-01-13. Review status: criteria provided, single submitter. Criteria: ICSL Variant Classification Criteria 13 December 2019. Collection method: clinical testing. Allele origin: germline.

Illumina Laboratory Services, Illumina
Classification: Uncertain significance for Nephronophthisis 8. Last evaluated: 2018-01-13. Review status: criteria provided, single submitter. Criteria: ICSL Variant Classification Criteria 13 December 2019. Collection method: clinical testing. Allele origin: germline.

Center for Pediatric Genomic Medicine, Children's Mercy Hospital and Clinics
Classification: Uncertain significance. Last evaluated: 2015-10-29. Review status: criteria provided, single submitter. Criteria: ACMG Guidelines, 2015. Collection method: clinical testing. Allele origin: germline.
ClinVar note: Converted during submission from Uncertain Significance to Uncertain significance.

Natera, Inc.
Classification: Uncertain significance for Joubert syndrome. Last evaluated: 2020-10-14. Review status: no assertion criteria provided. Collection method: clinical testing. Allele origin: germline. Not counted in ClinVar's aggregate classification.

NM_015272.5(RPGRIP1L):c.1736A>G (p.Tyr579Cys)

Gene: RPGRIP1L (RPGRIP1 like; minus strand). Cytogenetic location: 16q12.2.
Variant type: single nucleotide variant.
Coding change: c.1736A>G on transcript NM_015272.5 (MANE Select); coding-DNA position 1736, A replaced by G.
Protein change: p.Tyr579Cys; replaces tyrosine 579 with cysteine.
Molecular consequence: missense variant.
Genome position (GRCh38, 1-based): chr16:53,652,951, T>C on the plus strand (A>G on the coding strand, the complement: RPGRIP1L is on the minus strand). VCF-style: chr16-53652951-T-C. GRCh37 (hg19) VCF-style: chr16-53686863-T-C.
Other names: c.1736A>G, p.Tyr579Cys (NM_001127897.4, NM_001308334.3, NM_001330538.2); c.1736A>G (NM_015272.4); short protein forms Y579C.
Identifiers: ClinVar variation 235333 (VCV000235333.24), dbSNP rs148230131, ClinGen allele CA8057711.